The following is an entry in ClinVar:

ClinVar aggregate classification (germline): Uncertain significance. Review status: criteria provided, multiple submitters, no conflicts (2 of 4 stars). 2 submissions from 2 submitters: Uncertain significance (2). Last evaluated 2025-06-11.

Allele frequency attached by ClinVar (database versions not stated): gnomAD exomes below 0.00001; TOPMed below 0.00001.
gnomAD v4.1: 5 of 1,613,134 alleles (0.00031%); highest among the groups gnomAD compares: East Asian, 0.011%; no homozygotes.

Submissions (2):

Ambry Genetics
Classification: Uncertain significance. Last evaluated: 2025-06-11. Review status: criteria provided, single submitter. Criteria: Ambry Variant Classification Scheme 2023. Collection method: clinical testing. Allele origin: germline.

Labcorp Genetics (formerly Invitae), Labcorp
Classification: Uncertain significance. Last evaluated: 2023-06-15. Review status: criteria provided, single submitter. Criteria: Invitae Variant Classification Sherloc (09022015). Collection method: clinical testing. Allele origin: germline.
Comment: In summary, the available evidence is currently insufficient to determine the role of this variant in disease. Therefore, it has been classified as a Variant of Uncertain Significance. Advanced modeling of protein sequence and biophysical properties (such as structural, functional, and spatial information, amino acid conservation, physicochemical variation, residue mobility, and thermodynamic stability) performed at Invitae indicates that this missense variant is not expected to disrupt SLC25A32 protein function. ClinVar contains an entry for this variant (Variation ID: 2461553). This variant has not been reported in the literature in individuals affected with SLC25A32-related conditions. This variant is present in population databases (no rsID available, gnomAD 0.02%). This sequence change replaces arginine, which is basic and polar, with tryptophan, which is neutral and slightly polar, at codon 22 of the SLC25A32 protein (p.Arg22Trp).

NM_030780.5(SLC25A32):c.64C>T (p.Arg22Trp)

Gene: SLC25A32 (solute carrier family 25 member 32; minus strand). Cytogenetic location: 8q22.3.
Variant type: single nucleotide variant.
Coding change: c.64C>T on transcript NM_030780.5 (MANE Select); coding-DNA position 64, C replaced by T.
Protein change: p.Arg22Trp; replaces arginine 22 with tryptophan.
Molecular consequence: missense variant. On other transcripts: non-coding transcript variant (2).
Genome position (GRCh38, 1-based): chr8:103,414,874, G>A on the plus strand (C>T on the coding strand, the complement: SLC25A32 is on the minus strand). VCF-style: chr8-103414874-G-A. GRCh37 (hg19) VCF-style: chr8-104427102-G-A.
Other names: short protein forms R22W.
Identifiers: ClinVar variation 2461553 (VCV002461553.6), dbSNP rs1440736635, ClinGen allele CA371632397.
Genomic context (GRCh38, chr8:103,414,874, plus strand): 5'-GATGCAGCGCAAGGTTGGATAAGACGCCGCCGCTCACGCCCGCTATCAGGTTCTCATACC[G>A]GACGTGGCGGAATACCGTGCTCCACGCCGACGACCCGGACGCCGACTGGCCCTGGCCCGT-3'
Protein context (NP_110407.2, residues 12-32): SAWSTVFRHV[Arg22Trp]YENLIAGVSG